The following is an entry in ClinVar:

NM_001364905.1(LRBA):c.946C>T (p.Leu316Phe)

Gene: LRBA (LPS responsive beige-like anchor protein; minus strand). Cytogenetic location: 4q31.3.
Variant type: single nucleotide variant.
Coding change: c.946C>T on transcript NM_001364905.1 (MANE Select); coding-DNA position 946, C replaced by T.
Protein change: p.Leu316Phe; replaces leucine 316 with phenylalanine.
Molecular consequence: missense variant.
Genome position (GRCh38, 1-based): chr4:150,915,676, G>A on the plus strand (C>T on the coding strand, the complement: LRBA is on the minus strand). VCF-style: chr4-150915676-G-A. GRCh37 (hg19) VCF-style: chr4-151836828-G-A.
Other names: c.946C>T, p.Leu316Phe (NM_001199282.3, NM_001367550.1, NM_006726.5); short protein forms L316F.
Identifiers: ClinVar variation 2159035 (VCV002159035.1), dbSNP rs932905868, ClinGen allele CA107825300.
Genomic context (GRCh38, chr4:150,915,676, plus strand): 5'-TGTTGACAAACCATGTTATCTCTCCATAGGAAGCCAGCTCACCATTCACATAACATCGAA[G>A]TTCACTATTCTTCCATCGGTTATAGATGTGTACTATGGTAACCATATACCACTGCAGAAG-3'
Protein context (NP_001351834.1, residues 306-326): HIYNRWKNSE[Leu316Phe]RCYVNGELAS

ClinVar aggregate classification (germline): Uncertain significance (1 of 4 stars; one submission).

Conditions:
Combined immunodeficiency due to LRBA deficiency. Also called: Common variable immunodeficiency 8, with autoimmunity. Identifiers: Orphanet 445018, MedGen C3553512, MONDO:0013863, OMIM 614700.

Allele frequency attached by ClinVar (database versions not stated): gnomAD exomes 0.00001.

Submission:

Labcorp Genetics (formerly Invitae), Labcorp
Classification: Uncertain significance for Combined immunodeficiency due to LRBA deficiency. Last evaluated: 2022-04-20. Review status: criteria provided, single submitter. Criteria: Invitae Variant Classification Sherloc (09022015). Collection method: clinical testing. Allele origin: germline.
Comment: This sequence change replaces leucine, which is neutral and non-polar, with phenylalanine, which is neutral and non-polar, at codon 316 of the LRBA protein (p.Leu316Phe). This variant is not present in population databases (gnomAD no frequency). This variant has not been reported in the literature in individuals affected with LRBA-related conditions. Algorithms developed to predict the effect of missense changes on protein structure and function are either unavailable or do not agree on the potential impact of this missense change (SIFT: "Tolerated"; PolyPhen-2: "Probably Damaging"; Align-GVGD: "Class C0"). In summary, the available evidence is currently insufficient to determine the role of this variant in disease. Therefore, it has been classified as a Variant of Uncertain Significance.